The following is an entry in ClinVar:

ClinVar aggregate classification (germline): Uncertain significance (1 of 4 stars; one submission).

Conditions:
Beta-D-mannosidosis (MANSB). Also called: Beta-Mannosidosis; MANNOSIDOSIS, BETA A, LYSOSOMAL; BETA-MANNOSIDASE DEFICIENCY; LYSOSOMAL BETA-MANNOSIDASE DEFICIENCY. Identifiers: Orphanet 118, MedGen C4048196, MONDO:0009562, OMIM 248510.

Submission:

Labcorp Genetics (formerly Invitae), Labcorp
Classification: Uncertain significance for Beta-D-mannosidosis. Last evaluated: 2022-03-26. Review status: criteria provided, single submitter. Criteria: Invitae Variant Classification Sherloc (09022015). Collection method: clinical testing. Allele origin: germline.
Comment: In summary, the available evidence is currently insufficient to determine the role of this variant in disease. Therefore, it has been classified as a Variant of Uncertain Significance. Algorithms developed to predict the effect of sequence changes on RNA splicing suggest that this variant may create or strengthen a splice site. Algorithms developed to predict the effect of missense changes on protein structure and function are either unavailable or do not agree on the potential impact of this missense change (SIFT: "Deleterious"; PolyPhen-2: "Possibly Damaging"; Align-GVGD: "Class C0"). This variant has not been reported in the literature in individuals affected with MANBA-related conditions. This variant is not present in population databases (gnomAD no frequency). This sequence change replaces proline, which is neutral and non-polar, with arginine, which is basic and polar, at codon 256 of the MANBA protein (p.Pro256Arg).

NM_005908.4(MANBA):c.767C>G (p.Pro256Arg)

Gene: MANBA (mannosidase beta; minus strand). Cytogenetic location: 4q24.
Variant type: single nucleotide variant.
Coding change: c.767C>G on transcript NM_005908.4 (MANE Select); coding-DNA position 767, C replaced by G.
Protein change: p.Pro256Arg; replaces proline 256 with arginine.
Molecular consequence: missense variant.
Genome position (GRCh38, 1-based): chr4:102,690,678, G>C on the plus strand (C>G on the coding strand, the complement: MANBA is on the minus strand). VCF-style: chr4-102690678-G-C. GRCh37 (hg19) VCF-style: chr4-103611835-G-C.
Other names: short protein forms P256R.
Identifiers: ClinVar variation 2117904 (VCV002117904.4), dbSNP rs2476807506, ClinGen allele CA357769369.